The following is an entry in ClinVar:

NM_000057.4(BLM):c.503C>T (p.Ser168Leu)

Gene: BLM (BLM RecQ like helicase; plus strand). Cytogenetic location: 15q26.1.
Variant type: single nucleotide variant.
Coding change: c.503C>T on transcript NM_000057.4 (MANE Select); coding-DNA position 503, C replaced by T.
Protein change: p.Ser168Leu; replaces serine 168 with leucine.
Molecular consequence: missense variant. On other transcripts: 5 prime UTR variant (1).
Genome position (GRCh38, 1-based): chr15:90,749,771, C>T. VCF-style: chr15-90749771-C-T. GRCh37 (hg19) VCF-style: chr15-91293001-C-T.
Other names: c.503C>T, p.Ser168Leu (NM_001287246.2, NM_001287247.2); c.-789C>T (NM_001287248.2); short protein forms S168L.
Identifiers: ClinVar variation 3691909 (VCV003691909.2).

ClinVar aggregate classification (germline): Uncertain significance (1 of 4 stars; one submission).

Conditions:
Bloom syndrome (BLM). Also called: Bloom-Torre-Machacek syndrome. Identifiers: Orphanet 125, MedGen C0005859, MONDO:0008876, OMIM 210900.

Submission:

Labcorp Genetics (formerly Invitae), Labcorp
Classification: Uncertain significance for Bloom syndrome. Last evaluated: 2024-08-29. Review status: criteria provided, single submitter. Criteria: Invitae Variant Classification Sherloc (09022015). Collection method: clinical testing. Allele origin: germline.
Comment: This sequence change replaces serine, which is neutral and polar, with leucine, which is neutral and non-polar, at codon 168 of the BLM protein (p.Ser168Leu). This variant is not present in population databases (gnomAD no frequency). This variant has not been reported in the literature in individuals affected with BLM-related conditions. An algorithm developed to predict the effect of missense changes on protein structure and function (PolyPhen-2) suggests that this variant is likely to be tolerated. In summary, the available evidence is currently insufficient to determine the role of this variant in disease. Therefore, it has been classified as a Variant of Uncertain Significance.